The following is an entry in ClinVar:

NM_031418.4(ANO3):c.121G>C (p.Ala41Pro)

Gene: ANO3 (anoctamin 3; plus strand). Cytogenetic location: 11p14.2.
Variant type: single nucleotide variant.
Coding change: c.121G>C on transcript NM_031418.4 (MANE Select); coding-DNA position 121, G replaced by C.
Protein change: p.Ala41Pro; replaces alanine 41 with proline.
Molecular consequence: missense variant.
Genome position (GRCh38, 1-based): chr11:26,441,992, G>C. VCF-style: chr11-26441992-G-C. GRCh37 (hg19) VCF-style: chr11-26463539-G-C.
Other names: c.304G>C, p.Ala102Pro (NM_001313726.2); short protein forms A41P, A102P.
Identifiers: ClinVar variation 2885753 (VCV002885753.3), dbSNP rs150999282, ClinGen allele CA5925458.

ClinVar aggregate classification (germline): Uncertain significance (1 of 4 stars; one submission).

Conditions:
Dystonic disorder. Also called: Dystonia. Identifiers: MedGen C0013421, MONDO:0003441, HP:0001332.

gnomAD v4.1: 1 of 1,613,936 alleles (0.000062%); highest among the groups gnomAD compares: Admixed American, 0.0017%; no homozygotes.

Submission:

Labcorp Genetics (formerly Invitae), Labcorp
Classification: Uncertain significance for Dystonic disorder. Last evaluated: 2023-04-20. Review status: criteria provided, single submitter. Criteria: Invitae Variant Classification Sherloc (09022015). Collection method: clinical testing. Allele origin: germline.
Comment: In summary, the available evidence is currently insufficient to determine the role of this variant in disease. Therefore, it has been classified as a Variant of Uncertain Significance. This sequence change replaces alanine, which is neutral and non-polar, with proline, which is neutral and non-polar, at codon 41 of the ANO3 protein (p.Ala41Pro). This variant is present in population databases (rs150999282, gnomAD 0.006%). This variant has not been reported in the literature in individuals affected with ANO3-related conditions. Advanced modeling of protein sequence and biophysical properties (such as structural, functional, and spatial information, amino acid conservation, physicochemical variation, residue mobility, and thermodynamic stability) performed at Invitae indicates that this missense variant is not expected to disrupt ANO3 protein function.